The following is an entry in ClinVar:

NM_000256.3(MYBPC3):c.2712C>T (p.Tyr904=)

Gene: MYBPC3 (myosin binding protein C3; minus strand). Cytogenetic location: 11p11.2.
Variant type: single nucleotide variant.
Coding change: c.2712C>T on transcript NM_000256.3 (MANE Select); coding-DNA position 2712, C replaced by T.
Protein change: p.Tyr904=; no amino-acid change (tyrosine 904 retained).
Molecular consequence: synonymous variant.
Genome position (GRCh38, 1-based): chr11:47,335,902, G>A on the plus strand (C>T on the coding strand, the complement: MYBPC3 is on the minus strand). VCF-style: chr11-47335902-G-A. GRCh37 (hg19) VCF-style: chr11-47357453-G-A.
Other names: c.2712C>T, p.Tyr904= (LRG_386t1).
Identifiers: ClinVar variation 454319 (VCV000454319.13), dbSNP rs1363489095, ClinGen allele CA051285.
Genomic context (GRCh38, chr11:47,335,902, plus strand): 5'-CTTTGGGGAGGGGGGTTGGGGGCGGGGACACTCACAGCCCTCTGGGCAGTACTCCACGCT[G>A]TAGCCATCCAGGCCTCCTGCTCCCACGCGCTCTGGGGGCCGCCACTTGAGGGAGACCGTG-3'
Protein context (NP_000247.2, residues 894-914): ERVGAGGLDG[Tyr904=]SVEYCPEGCS

ClinVar aggregate classification (germline): Likely benign. Review status: criteria provided, multiple submitters, no conflicts (2 of 4 stars). 4 submissions from 4 submitters: Likely benign (4). Last evaluated 2026-02-03.

Conditions:
Cardiovascular phenotype. Identifiers: MedGen CN230736.
Cardiomyopathy (CMYO). Also called: Cardiomyopathies. Identifiers: Orphanet 167848, MedGen C0878544, MONDO:0004994, HP:0001638. Inheritance: Various modes of inheritance.
Hypertrophic cardiomyopathy. Also called: HYPERTROPHIC MYOCARDIOPATHY. Identifiers: Orphanet 217569, MedGen C0007194, MeSH D002312, MONDO:0005045, HP:0001639.

Allele frequency attached by ClinVar (database versions not stated): TOPMed 0.00001; gnomAD 0.00002; gnomAD exomes 0.00002.
gnomAD v4.1: 24 of 1,539,474 alleles (0.0016%); highest among the groups gnomAD compares: African/African-American, 0.0028%; no homozygotes.

Submissions (4):

Labcorp Genetics (formerly Invitae), Labcorp
Classification: Likely benign for Hypertrophic cardiomyopathy. Last evaluated: 2026-02-03. Review status: criteria provided, single submitter. Criteria: Invitae Variant Classification Sherloc (09022015). Collection method: clinical testing. Allele origin: germline.

All of Us Research Program, National Institutes of Health
Classification: Likely benign for Hypertrophic cardiomyopathy. Last evaluated: 2023-10-02. Review status: criteria provided, single submitter. Criteria: ACMG Guidelines, 2015. Collection method: clinical testing. Allele origin: germline. Inheritance: Autosomal dominant inheritance. Observed: 4 variant alleles, 4 heterozygotes.
Comment: This study involves interpretation of variants in research participants for the purpose of population health screening. Participant phenotype was not available at the time of variant classification. Additional details can be found in publication PMID: 35346344, PMCID: PMC8962531

Ambry Genetics
Classification: Likely benign for Cardiovascular phenotype. Last evaluated: 2023-03-07. Review status: criteria provided, single submitter. Criteria: Ambry Variant Classification Scheme 2023. Collection method: clinical testing. Allele origin: germline.

Color Diagnostics, LLC DBA Color Health
Classification: Likely benign for Cardiomyopathy. Last evaluated: 2019-10-22. Review status: criteria provided, single submitter. Criteria: ACMG Guidelines, 2015. Collection method: clinical testing. Allele origin: germline.